The following is an entry in ClinVar:

ClinVar aggregate classification (germline): Benign. Review status: criteria provided, single submitter (1 of 4 stars). 2 submissions from 2 submitters: Benign (1). 1 of the submissions does not count toward it. Last evaluated 2024-11-26.

Conditions:
IGSF3-related disorder. Also called: IGSF3-related condition.

Allele frequency attached by ClinVar (database versions not stated): gnomAD exomes 0.20714; ESP Exome Variant Server 0.23950; gnomAD 0.24905; ExAC 0.25770; TOPMed 0.26724; 1000 Genomes Project 30x 0.34135; 1000 Genomes Project 0.34425.

Submissions (2):

Blueprint Genetics
Classification: Benign. Last evaluated: 2024-11-26. Review status: criteria provided, single submitter. Criteria: ACMG Guidelines, 2015. Collection method: clinical testing. Allele origin: germline.

PreventionGenetics, part of Exact Sciences
Classification: Benign for IGSF3-related condition. Last evaluated: 2019-10-21. Review status: no assertion criteria provided. Collection method: clinical testing. Allele origin: germline. Not counted in ClinVar's aggregate classification.
Comment: This variant is classified as benign based on ACMG/AMP sequence variant interpretation guidelines (Richards et al. 2015 PMID: 25741868, with internal and published modifications).

NM_001007237.3(IGSF3):c.3218A>G (p.Gln1073Arg)

Gene: IGSF3 (immunoglobulin superfamily member 3; minus strand). Cytogenetic location: 1p13.1.
Variant type: single nucleotide variant.
Coding change: c.3218A>G on transcript NM_001007237.3 (MANE Select); coding-DNA position 3218, A replaced by G.
Protein change: p.Gln1073Arg; replaces glutamine 1073 with arginine.
Molecular consequence: missense variant.
Genome position (GRCh38, 1-based): chr1:116,579,508, T>C on the plus strand (A>G on the coding strand, the complement: IGSF3 is on the minus strand). VCF-style: chr1-116579508-T-C. GRCh37 (hg19) VCF-style: chr1-117122130-T-C.
Other names: c.3278A>G, p.Gln1093Arg (NM_001542.4); short protein forms Q1073R, Q1093R.
Identifiers: ClinVar variation 3061000 (VCV003061000.3), dbSNP rs6703791, ClinGen allele CA1026036.